The following is an entry in ClinVar:

NM_004960.4(FUS):c.39-6A>G

Gene: FUS (FUS RNA binding protein; plus strand). Cytogenetic location: 16p11.2.
Variant type: single nucleotide variant.
Coding change: c.39-6A>G on transcript NM_004960.4 (MANE Select); 6 bases into the intron before coding-DNA position 39, A replaced by G.
Molecular consequence: intron variant.
Genome position (GRCh38, 1-based): chr16:31,182,507, A>G. VCF-style: chr16-31182507-A-G. GRCh37 (hg19) VCF-style: chr16-31193828-A-G.
Other names: p.?; c.39-6A>G (NM_001170937.1, NM_001170634.1).
Identifiers: ClinVar variation 4684092 (VCV004684092.2).

ClinVar aggregate classification (germline): Likely benign. Review status: criteria provided, multiple submitters, no conflicts (2 of 4 stars). 2 submissions from 2 submitters: Likely benign (2). Last evaluated 2024-11-19.

gnomAD v4.1: 2 of 1,614,012 alleles (0.00012%); highest among the groups gnomAD compares: Non-Finnish European, 0.00017%; no homozygotes.

Submissions (2):

Mayo Clinic Laboratories, Mayo Clinic
Classification: Likely benign. Last evaluated: 2024-11-19. Review status: criteria provided, single submitter. Criteria: ACMG Guidelines, 2015. Collection method: clinical testing. Allele origin: germline. Observed: 1 variant allele.
Comment: BP4, BP7

Blueprint Genetics
Classification: Likely benign. Last evaluated: 2024-04-18. Review status: criteria provided, single submitter. Criteria: ACMG Guidelines, 2015. Collection method: clinical testing. Allele origin: germline.